The following is an entry in ClinVar:

NM_181789.4(GLDN):c.689-19TC[7]

Gene: GLDN (gliomedin; plus strand). Cytogenetic location: 15q21.2.
Variant type: Microsatellite.
Coding change: c.689-19TC[7] on transcript NM_181789.4 (MANE Select); seven copies in a row of the 2-base unit TC starting at c.689-19; the reference has eight copies in a row; one copy, 2 bases deleted.
Molecular consequence: intron variant.
Genome position (GRCh38, 1-based): chr15:51,397,465-51,397,466, TC deleted; deleting any 2 consecutive bases within chr15:51,397,451-51,397,466 gives the same sequence; the position shown is the placement nearest the transcript's 3' end. VCF-style (leftmost placement, unchanged base first): chr15-51397450-TTC-T. GRCh37 (hg19) VCF-style: chr15-51689647-TTC-T.
Other names: c.317-19TC[7] (NM_001330297.2).
Identifiers: ClinVar variation 3055408 (VCV003055408.3), dbSNP rs748196701, ClinGen allele CA7560493.

ClinVar aggregate classification (germline): Likely benign. Review status: criteria provided, single submitter (1 of 4 stars). 2 submissions from 2 submitters: Likely benign (1). 1 of the submissions does not count toward it. Last evaluated 2024-11-27.

Conditions:
GLDN-related disorder. Also called: GLDN-related condition.

Submissions (2):

Blueprint Genetics
Classification: Likely benign. Last evaluated: 2024-11-27. Review status: criteria provided, single submitter. Criteria: ACMG Guidelines, 2015. Collection method: clinical testing. Allele origin: germline.

PreventionGenetics, part of Exact Sciences
Classification: Benign for GLDN-related condition. Last evaluated: 2019-08-08. Review status: no assertion criteria provided. Collection method: clinical testing. Allele origin: germline. Not counted in ClinVar's aggregate classification.
Comment: This variant is classified as benign based on ACMG/AMP sequence variant interpretation guidelines (Richards et al. 2015 PMID: 25741868, with internal and published modifications).